The following is an entry in ClinVar:

NM_017617.5(NOTCH1):c.1512C>A (p.Arg504=)

Gene: NOTCH1 (notch receptor 1; minus strand). Cytogenetic location: 9q34.3.
Variant type: single nucleotide variant.
Coding change: c.1512C>A on transcript NM_017617.5 (MANE Select); coding-DNA position 1512, C replaced by A.
Protein change: p.Arg504=; no amino-acid change (arginine 504 retained).
Molecular consequence: synonymous variant.
Genome position (GRCh38, 1-based): chr9:136,517,315, G>T on the plus strand (C>A on the coding strand, the complement: NOTCH1 is on the minus strand). VCF-style: chr9-136517315-G-T. GRCh37 (hg19) VCF-style: chr9-139411767-G-T.
Identifiers: ClinVar variation 681035 (VCV000681035.5), dbSNP rs763271019, ClinGen allele CA5341762.

ClinVar aggregate classification (germline): Likely benign. Review status: criteria provided, multiple submitters, no conflicts (2 of 4 stars). 3 submissions from 3 submitters: Likely benign (3). Last evaluated 2025-03-04.

Conditions:
Adams-Oliver syndrome 5 (AOS5). Identifiers: Orphanet 974, MedGen C4014970, MONDO:0014459, OMIM 616028.
Familial thoracic aortic aneurysm and aortic dissection (TAAD). Also called: Thoracic aortic aneurysms and dissections. Identifiers: Orphanet 91387, MedGen C4707243, MONDO:0019625.

Allele frequency attached by ClinVar (database versions not stated): gnomAD exomes below 0.00001; ExAC 0.00001; gnomAD 0.00001; TOPMed 0.00002.
gnomAD v4.1: 7 of 1,609,906 alleles (0.00043%); highest among the groups gnomAD compares: Non-Finnish European, 0.00059%; no homozygotes.

Submissions (3):

Labcorp Genetics (formerly Invitae), Labcorp
Classification: Likely benign for Adams-Oliver syndrome 5. Last evaluated: 2025-03-04. Review status: criteria provided, single submitter. Criteria: Invitae Variant Classification Sherloc (09022015). Collection method: clinical testing. Allele origin: germline.

Ambry Genetics
Classification: Likely benign for Familial thoracic aortic aneurysm and aortic dissection. Last evaluated: 2024-09-14. Review status: criteria provided, single submitter. Criteria: Ambry Variant Classification Scheme 2023. Collection method: clinical testing. Allele origin: germline.

GeneDx
Classification: Likely benign. Last evaluated: 2018-03-20. Review status: criteria provided, single submitter. Criteria: GeneDx Variant Classification (06012015). Collection method: clinical testing. Allele origin: germline. Affected: yes.
Comment: This variant is considered likely benign or benign based on one or more of the following criteria: it is a conservative change, it occurs at a poorly conserved position in the protein, it is predicted to be benign by multiple in silico algorithms, and/or has population frequency not consistent with disease.